The following is an entry in ClinVar:

NM_000038.6(APC):c.4534_4535delinsTT (p.Asp1512Phe)

Gene: APC (APC regulator of Wnt signaling pathway; plus strand). Cytogenetic location: 5q22.2.
Variant type: Indel.
Coding change: c.4534_4535delinsTT on transcript NM_000038.6 (MANE Select); coding-DNA positions 4534 to 4535, GA replaced by TT.
Protein change: p.Asp1512Phe; replaces aspartic acid 1512 with phenylalanine.
Molecular consequence: missense variant. On other transcripts: non-coding transcript variant (2).
Genome position (GRCh38, 1-based): chr5:112,840,128-112,840,129, GA replaced by TT. VCF-style: chr5-112840128-GA-TT. GRCh37 (hg19) VCF-style: chr5-112175825-GA-TT.
Other names: c.4534_4535delinsTT, p.Asp1512Phe (NM_001127510.3, NM_001354895.2, NM_001407450.1); c.4480_4481delinsTT, p.Asp1494Phe (NM_001127511.3); c.4588_4589delinsTT, p.Asp1530Phe (NM_001354896.2, NM_001407447.1, NM_001407448.1 and 1 more transcripts); c.4564_4565delinsTT, p.Asp1522Phe (NM_001354897.2); c.4459_4460delinsTT, p.Asp1487Phe (NM_001354898.2); c.4450_4451delinsTT, p.Asp1484Phe (NM_001354899.2); c.4411_4412delinsTT, p.Asp1471Phe (NM_001354900.2); c.4357_4358delinsTT, p.Asp1453Phe (NM_001354901.2, NM_001407453.1); and 11 more; short protein forms D1229F, D1383F, D1421F, D1453F, D1530F, D1128F, D1429F, D1484F.
Identifiers: ClinVar variation 3692119 (VCV003692119.4).

ClinVar aggregate classification (germline): Uncertain significance. Review status: criteria provided, multiple submitters, no conflicts (2 of 4 stars). 2 submissions from 2 submitters: Uncertain significance (2). Last evaluated 2025-07-11.

Conditions:
Familial adenomatous polyposis 1 (FAP1). Also called: FAMILIAL ADENOMATOUS POLYPOSIS 1, ATTENUATED; POLYPOSIS, ADENOMATOUS INTESTINAL. Identifiers: MedGen C2713442, MONDO:0021056, OMIM 175100. Disease mechanism: loss of function.

Submissions (2):

Dasa
Classification: Uncertain significance. Last evaluated: 2025-07-11. Review status: criteria provided, single submitter. Criteria: DASA Assertion Criteria. Collection method: clinical testing. Allele origin: germline.
Comment: NM_000038.6(APC):c.4534_4535delinsTT (p.Asp1512Phe) is an in-frame insertion/deletion-insertion predicted to alter the protein sequence without shifting the reading frame. This variant is absent from population databases. The currently available literature and clinical evidence are not sufficient to establish a definitive association between this variant and the reported condition. Therefore, this variant is classified as a variant of uncertain significance.

Labcorp Genetics (formerly Invitae), Labcorp
Classification: Uncertain significance for Familial adenomatous polyposis 1. Last evaluated: 2024-12-24. Review status: criteria provided, single submitter. Criteria: Invitae Variant Classification Sherloc (09022015). Collection method: clinical testing. Allele origin: germline.
Comment: This sequence change replaces aspartic acid, which is acidic and polar, with phenylalanine, which is neutral and non-polar, at codon 1512 of the APC protein (p.Asp1512Phe). Information on the frequency of this variant in the gnomAD database is not available, as this variant may be reported differently in the database. This variant has not been reported in the literature in individuals affected with APC-related conditions. An algorithm developed to predict the effect of missense changes on protein structure and function (PolyPhen-2) suggests that this variant is likely to be disruptive. In summary, the available evidence is currently insufficient to determine the role of this variant in disease. Therefore, it has been classified as a Variant of Uncertain Significance.